The following is an entry in ClinVar:

NM_032043.3(BRIP1):c.1117C>T (p.Leu373=)

Gene: BRIP1 (BRCA1 interacting DNA helicase 1; minus strand). Cytogenetic location: 17q23.2.
Variant type: single nucleotide variant.
Coding change: c.1117C>T on transcript NM_032043.3 (MANE Select); coding-DNA position 1117, C replaced by T.
Protein change: p.Leu373=; no amino-acid change (leucine 373 retained).
Molecular consequence: synonymous variant.
Genome position (GRCh38, 1-based): chr17:61,801,276, G>A on the plus strand (C>T on the coding strand, the complement: BRIP1 is on the minus strand). VCF-style: chr17-61801276-G-A. GRCh37 (hg19) VCF-style: chr17-59878637-G-A.
Identifiers: ClinVar variation 763883 (VCV000763883.13), dbSNP rs755992778, ClinGen allele CA8690801.

ClinVar aggregate classification (germline): Benign/Likely benign. Review status: criteria provided, multiple submitters, no conflicts (2 of 4 stars). 3 submissions from 3 submitters: Benign (1); Likely benign (2). Last evaluated 2025-09-05.

Conditions:
Familial cancer of breast. Also called: Hereditary breast cancer; BREAST CANCER, FAMILIAL; hereditary breast carcinoma. Identifiers: Orphanet 227535, MedGen C0346153, MONDO:0016419, OMIM 114480. Disease mechanism: loss of function.
Hereditary cancer-predisposing syndrome. Also called: Tumor predisposition; Hereditary Cancer Syndrome; Neoplastic Syndromes, Hereditary; Hereditary neoplastic syndrome. Identifiers: Orphanet 140162, MedGen C0027672, MeSH D009386, MONDO:0015356.
Fanconi anemia complementation group J. Also called: BRIP1-Related Fanconi Anemia. Identifiers: Orphanet 84, MedGen C1836860, MONDO:0012187, OMIM 609054.

Allele frequency attached by ClinVar (database versions not stated): gnomAD exomes below 0.00001 and 0.00001; ExAC 0.00002.
gnomAD v4.1: 2 of 1,613,536 alleles (0.00012%); highest among the groups gnomAD compares: Admixed American, 0.0033%; no homozygotes.

Submissions (3):

Labcorp Genetics (formerly Invitae), Labcorp
Classification: Likely benign for Familial cancer of breast; Fanconi anemia complementation group J. Last evaluated: 2025-09-05. Review status: criteria provided, single submitter. Criteria: Invitae Variant Classification Sherloc (09022015). Collection method: clinical testing. Allele origin: germline.

Myriad Genetics, Inc.
Classification: Benign for Familial cancer of breast. Last evaluated: 2024-08-23. Review status: criteria provided, single submitter. Criteria: Myriad Autosomal Dominant, Autosomal Recessive and X-Linked Classification Criteria (2023). Collection method: clinical testing. Allele origin: unknown.
Comment: This variant is considered benign. This variant is a silent/synonymous amino acid change and it is not expected to impact splicing.

Ambry Genetics
Classification: Likely benign for Hereditary cancer-predisposing syndrome. Last evaluated: 2019-08-16. Review status: criteria provided, single submitter. Criteria: Ambry Variant Classification Scheme 2023. Collection method: clinical testing. Allele origin: germline.